The following is an entry in ClinVar:

ClinVar aggregate classification (germline): Pathogenic. Review status: criteria provided, multiple submitters, no conflicts (2 of 4 stars). 2 submissions from 2 submitters: Pathogenic (2). Last evaluated 2023-08-27.

Conditions:
Autism spectrum disorder. Also called: Autism spectrum disorders. Identifiers: MedGen C1510586, MeSH D000067877, MONDO:0005258.

Submissions (2):

Labcorp Genetics (formerly Invitae), Labcorp
Classification: Pathogenic. Last evaluated: 2023-08-27. Review status: criteria provided, single submitter. Criteria: Invitae Variant Classification Sherloc (09022015). Collection method: clinical testing. Allele origin: germline.
Comment: This sequence change creates a premature translational stop signal (p.Gln935*) in the TCF20 gene. It is expected to result in an absent or disrupted protein product. Loss-of-function variants in TCF20 are known to be pathogenic (PMID: 30739909, 30819258). This variant is not present in population databases (gnomAD no frequency). This variant has not been reported in the literature in individuals affected with TCF20-related conditions. ClinVar contains an entry for this variant (Variation ID: 2429889). For these reasons, this variant has been classified as Pathogenic.

Department of Genetics, Rouen University Hospital, Normandy Center for Genomic and Personalized Medicine
Classification: Pathogenic for Autism spectrum disorder. Last evaluated: 2020-09-30. Review status: criteria provided, single submitter. Criteria: ACMG Guidelines, 2015. Collection method: clinical testing. Allele origin: de novo. Affected: yes.

Literature cited by the submitters: PubMed 30739909 (cited by Labcorp Genetics (formerly Invitae), Labcorp); PubMed 30819258 (cited by Labcorp Genetics (formerly Invitae), Labcorp).

NM_001378418.1(TCF20):c.2803C>T (p.Gln935Ter)

Gene: TCF20 (transcription factor 20; minus strand). Cytogenetic location: 22q13.2.
Variant type: single nucleotide variant.
Coding change: c.2803C>T on transcript NM_001378418.1 (MANE Select); coding-DNA position 2803, C replaced by T.
Protein change: p.Gln935Ter; replaces glutamine 935 with a stop codon.
Molecular consequence: nonsense.
Genome position (GRCh38, 1-based): chr22:42,212,503, G>A on the plus strand (C>T on the coding strand, the complement: TCF20 is on the minus strand). VCF-style: chr22-42212503-G-A. GRCh37 (hg19) VCF-style: chr22-42608509-G-A.
Other names: c.2803C>T, p.Gln935Ter (NM_005650.4, NM_181492.3); short protein forms Q935*.
Identifiers: ClinVar variation 2429889 (VCV002429889.5), dbSNP rs2518222528, ClinGen allele CA411787862.